The following is an entry in ClinVar:

NM_007227.3(GPR45):c.1084G>C (p.Val362Leu)

Gene: GPR45 (G protein-coupled receptor 45; plus strand). Cytogenetic location: 2q12.1.
Variant type: single nucleotide variant.
Coding change: c.1084G>C on transcript NM_007227.3 (MANE Select); coding-DNA position 1084, G replaced by C.
Protein change: p.Val362Leu; replaces valine 362 with leucine.
Molecular consequence: missense variant.
Genome position (GRCh38, 1-based): chr2:105,242,942, G>C. VCF-style: chr2-105242942-G-C. GRCh37 (hg19) VCF-style: chr2-105859399-G-C.
Other names: short protein forms V362L.
Identifiers: ClinVar variation 4698627 (VCV004698627.1).
Genomic context (GRCh38, chr2:105,242,942, plus strand): 5'-ACCTTCCAAATCCTCCCCAAAGTGCCTGAGCGGATCCGAAGGAGAATCCAGCCAAGCACA[G>C]TCTACGTGTGCAATGAAAACCAGTCTGCGGTTTAGGGGGTCAGGGGGCCACAGAGAAGGG-3'
Protein context (NP_009158.3, residues 352-372): RIRRRIQPST[Val362Leu]YVCNENQSAV

ClinVar aggregate classification (germline): Uncertain significance (1 of 4 stars; one submission).

Submission:

Labcorp Genetics (formerly Invitae), Labcorp
Classification: Uncertain significance. Last evaluated: 2025-10-09. Review status: criteria provided, single submitter. Criteria: Invitae Variant Classification Sherloc (09022015). Collection method: clinical testing. Allele origin: germline.
Comment: This sequence change replaces valine, which is neutral and non-polar, with leucine, which is neutral and non-polar, at codon 362 of the GPR45 protein (p.Val362Leu). This variant is not present in population databases (gnomAD no frequency). This variant has not been reported in the literature in individuals affected with GPR45-related conditions. An algorithm developed to predict the effect of missense changes on protein structure and function (PolyPhen-2) suggests that this variant is likely to be tolerated. In summary, the available evidence is currently insufficient to determine the role of this variant in disease. Therefore, it has been classified as a Variant of Uncertain Significance.